The following is an entry in ClinVar:

NM_001378477.3(NYX):c.1333G>A (p.Gly445Arg)

Gene: NYX (nyctalopin; plus strand). Cytogenetic location: Xp11.4.
Variant type: single nucleotide variant.
Coding change: c.1333G>A on transcript NM_001378477.3 (MANE Select); coding-DNA position 1333, G replaced by A.
Protein change: p.Gly445Arg; replaces glycine 445 with arginine.
Molecular consequence: missense variant.
Genome position (GRCh38, 1-based): chrX:41,474,801, G>A. VCF-style: chrX-41474801-G-A. GRCh37 (hg19) VCF-style: chrX-41334054-G-A.
Other names: c.1333G>A, p.Gly445Arg (NM_022567.3); short protein forms G445R.
Identifiers: ClinVar variation 4763617 (VCV004763617.1).
Genomic context (GRCh38, chrX:41,474,801, plus strand): 5'-GCGGCCAACACCACTGGGGGGCTGGCCAACGCCTCCCTGTCCGACAGCCTCTCCTCCCGT[G>A]GGGTGGGAGGCGCGGGCCGGCAGCCCTGGTTTCTCCTCGCCTCTTGTCTCCTGCCCAGCG-3'
Protein context (NP_001365406.2, residues 435-455): ASLSDSLSSR[Gly445Arg]VGGAGRQPWF

ClinVar aggregate classification (germline): Uncertain significance (1 of 4 stars; one submission).

gnomAD v4.1: 2 of 1,202,903 alleles (0.00017%); highest among the groups gnomAD compares: Non-Finnish European, 0.00022%; no homozygotes.

Submission:

Labcorp Genetics (formerly Invitae), Labcorp
Classification: Uncertain significance. Last evaluated: 2025-07-27. Review status: criteria provided, single submitter. Criteria: Invitae Variant Classification Sherloc (09022015). Collection method: clinical testing. Allele origin: germline.
Comment: This sequence change replaces glycine, which is neutral and non-polar, with arginine, which is basic and polar, at codon 450 of the NYX protein (p.Gly450Arg). This variant is not present in population databases (gnomAD no frequency). This variant has not been reported in the literature in individuals affected with NYX-related conditions. An algorithm developed to predict the effect of missense changes on protein structure and function (PolyPhen-2) suggests that this variant is likely to be disruptive. In summary, the available evidence is currently insufficient to determine the role of this variant in disease. Therefore, it has been classified as a Variant of Uncertain Significance.